The following is an entry in ClinVar:

NM_018900.4(PCDHA1):c.2027C>G (p.Pro676Arg)

Genes: PCDHA1 (protocadherin alpha 1; plus strand), PCDHA@ (protocadherin alpha cluster, complex locus; plus strand). Cytogenetic location: 5q31.3.
Variant type: single nucleotide variant.
Coding change: c.2027C>G on transcript NM_018900.4 (MANE Select); coding-DNA position 2027, C replaced by G.
Protein change: p.Pro676Arg; replaces proline 676 with arginine.
Molecular consequence: missense variant. On other transcripts: intron variant (1).
Genome position (GRCh38, 1-based): chr5:140,788,317, C>G. VCF-style: chr5-140788317-C-G. GRCh37 (hg19) VCF-style: chr5-140167902-C-G.
Other names: c.1602+425C>G (NM_031411.3); c.2027C>G, p.Pro676Arg (NM_031410.3); short protein forms P676R.
Identifiers: ClinVar variation 4881094 (VCV004881094.2).
Genomic context (GRCh38, chr5:140,788,317, plus strand): 5'-AGCCGGCGCTGACAGCCACGGCCACTGTGCTTGTATCTCTGGTGGAGAGCGGCCAGGCGC[C>G]AAAGGCGTCTTCGCGGGCGTCGGTGGGTGTCGCGGGCCCAGAGGCGGCGCTGGTGGATGT-3'
Protein context (NP_061723.1, residues 666-686): LVSLVESGQA[Pro676Arg]KASSRASVGV

ClinVar aggregate classification (germline): Uncertain significance (1 of 4 stars; one submission).

Submission:

Dasa
Classification: Uncertain significance. Last evaluated: 2025-12-11. Review status: criteria provided, single submitter. Criteria: DASA Assertion Criteria. Collection method: clinical testing. Allele origin: germline.
Comment: NM_018900.4(PCDHA1):c.2027C>G (p.Pro676Arg) is a missense variant that results in the substitution of proline with arginine. This variant is rare in population databases. Computational prediction algorithms are consistent with a benign effect. The currently available literature and clinical evidence are not sufficient to establish a definitive association between this variant and the reported condition. Therefore, this variant is classified as a variant of uncertain significance.